The following is an entry in ClinVar:

NM_015072.5(TTLL5):c.2517T>G (p.Asp839Glu)

Gene: TTLL5 (tubulin tyrosine ligase like 5; plus strand). Cytogenetic location: 14q24.3.
Variant type: single nucleotide variant.
Coding change: c.2517T>G on transcript NM_015072.5 (MANE Select); coding-DNA position 2517, T replaced by G.
Protein change: p.Asp839Glu; replaces aspartic acid 839 with glutamic acid.
Molecular consequence: missense variant.
Genome position (GRCh38, 1-based): chr14:75,782,488, T>G. VCF-style: chr14-75782488-T-G. GRCh37 (hg19) VCF-style: chr14-76248831-T-G.
Other names: short protein forms D839E.
Identifiers: ClinVar variation 853146 (VCV000853146.9), dbSNP rs1892118713, ClinGen allele CA390470602.
Genomic context (GRCh38, chr14:75,782,488, plus strand): 5'-AGAACAGCGGACTTGCAATTGATTATAAGAGAGTCCAAGCTCATTATTTCTTATTTCAGA[T>G]CACCCTGAGACTATAATGGAAGAAGTGAAAATAAAGCCACCTAAACAGCAACAGACGACA-3'
Protein context (NP_055887.3, residues 829-849): NNYSDSGAKG[Asp839Glu]HPETIMEEVK

ClinVar aggregate classification (germline): Uncertain significance (1 of 4 stars; one submission).

Submission:

Labcorp Genetics (formerly Invitae), Labcorp
Classification: Uncertain significance. Last evaluated: 2019-11-29. Review status: criteria provided, single submitter. Criteria: Invitae Variant Classification Sherloc (09022015). Collection method: clinical testing. Allele origin: germline.
Comment: In summary, the available evidence is currently insufficient to determine the role of this variant in disease. Therefore, it has been classified as a Variant of Uncertain Significance. Algorithms developed to predict the effect of missense changes on protein structure and function are either unavailable or do not agree on the potential impact of this missense change (SIFT: "Tolerated"; PolyPhen-2: "Probably Damaging"; Align-GVGD: "Class C0"). This variant has not been reported in the literature in individuals with TTLL5-related conditions. This variant is not present in population databases (ExAC no frequency). This sequence change replaces aspartic acid with glutamic acid at codon 839 of the TTLL5 protein (p.Asp839Glu). The aspartic acid residue is moderately conserved and there is a small physicochemical difference between aspartic acid and glutamic acid.